The following is an entry in ClinVar:

ClinVar aggregate classification (germline): Conflicting classifications of pathogenicity. Review status: criteria provided, conflicting classifications (1 of 4 stars). 3 submissions from 3 submitters: Uncertain significance (1); Likely benign (2). Last evaluated 2026-03-01.

Conditions:
KMT2D-related disorder. Also called: KMT2D-Related Disorders.
Kabuki syndrome. Also called: NIIKAWA-KUROKI SYNDROME; Kabuki make-up syndrome. Identifiers: Orphanet 2322, MedGen C0796004, MONDO:0016512.

Allele frequency attached by ClinVar (database versions not stated): gnomAD exomes 0.00004 and 0.00007; TOPMed 0.00006; ExAC 0.00007; gnomAD 0.00007 and 0.00009; ESP Exome Variant Server 0.00016.
gnomAD v4.1: 68 of 1,610,962 alleles (0.0042%); highest among the groups gnomAD compares: Admixed American, 0.017%; no homozygotes.

Submissions (3):

CeGaT Center for Human Genetics Tuebingen
Classification: Likely benign. Last evaluated: 2026-03-01. Review status: criteria provided, single submitter. Criteria: CeGaT Center For Human Genetics Tuebingen Variant Classification Criteria Version 2. Collection method: clinical testing. Allele origin: germline. Affected: yes. Observed: 1 variant allele.
Comment: KMT2D: BS2

Labcorp Genetics (formerly Invitae), Labcorp
Classification: Likely benign for Kabuki syndrome. Last evaluated: 2026-01-29. Review status: criteria provided, single submitter. Criteria: Invitae Variant Classification Sherloc (09022015). Collection method: clinical testing. Allele origin: germline.

PreventionGenetics, part of Exact Sciences
Classification: Uncertain significance for KMT2D-related condition. Last evaluated: 2025-07-06. Review status: criteria provided, single submitter. Criteria: ACMG Guidelines, 2015. Collection method: clinical testing. Allele origin: germline.
Comment: The KMT2D c.7202G>A variant is predicted to result in the amino acid substitution p.Arg2401His. To our knowledge, this variant has not been reported in the literature. This variant is reported in 0.026% of alleles in individuals of Latino descent in gnomAD, which may be too common to be causative. Although we suspect that this variant may be benign, at this time, the clinical significance of this variant is uncertain due to the absence of conclusive functional and genetic evidence.

NM_003482.4(KMT2D):c.7202G>A (p.Arg2401His)

Gene: KMT2D (lysine methyltransferase 2D; minus strand). Cytogenetic location: 12q13.12.
Variant type: single nucleotide variant.
Coding change: c.7202G>A on transcript NM_003482.4 (MANE Select); coding-DNA position 7202, G replaced by A.
Protein change: p.Arg2401His; replaces arginine 2401 with histidine.
Molecular consequence: missense variant.
Genome position (GRCh38, 1-based): chr12:49,040,568, C>T on the plus strand (G>A on the coding strand, the complement: KMT2D is on the minus strand). VCF-style: chr12-49040568-C-T. GRCh37 (hg19) VCF-style: chr12-49434351-C-T.
Other names: short protein forms R2401H.
Identifiers: ClinVar variation 309046 (VCV000309046.14), dbSNP rs375115132, ClinGen allele CA6547106.